The following is an entry in ClinVar:

ClinVar aggregate classification (germline): Likely benign. Review status: criteria provided, multiple submitters, no conflicts (2 of 4 stars). 3 submissions from 3 submitters: Likely benign (3). Last evaluated 2026-09-01.

Conditions:
DNMT3A-related disorder. Also called: DNMT3A-related disorders; DNMT3A-related condition.
Tatton-Brown-Rahman overgrowth syndrome. Also called: Tall stature-intellectual disability-facial dysmorphism syndrome; Tatton-Brown-Rahman syndrome. Identifiers: Orphanet 404443, MedGen C4014545, MONDO:0014382, OMIM 615879.

Allele frequency attached by ClinVar (database versions not stated): gnomAD exomes below 0.00001 and 0.00001; TOPMed below 0.00001; ExAC 0.00001.
gnomAD v4.1: 8 of 1,611,412 alleles (0.0005%); highest among the groups gnomAD compares: Admixed American, 0.0033%; no homozygotes.

Submissions (3):

CeGaT Center for Human Genetics Tuebingen
Classification: Likely benign. Last evaluated: 2026-09-01. Review status: criteria provided, single submitter. Criteria: CeGaT Center For Human Genetics Tuebingen Variant Classification Criteria Version 2. Collection method: clinical testing. Allele origin: germline. Affected: yes. Observed: 1 variant allele.
Comment: DNMT3A: BP4

PreventionGenetics, part of Exact Sciences
Classification: Likely benign for DNMT3A-related condition. Last evaluated: 2026-03-09. Review status: criteria provided, single submitter. Criteria: ACMG Guidelines, 2015. Collection method: clinical testing. Allele origin: germline.
Comment: This variant is classified as likely benign based on ACMG/AMP sequence variant interpretation guidelines (Richards et al. 2015 PMID: 25741868, with internal and published modifications).

Labcorp Genetics (formerly Invitae), Labcorp
Classification: Likely benign for Tatton-Brown-Rahman overgrowth syndrome. Last evaluated: 2024-12-24. Review status: criteria provided, single submitter. Criteria: Invitae Variant Classification Sherloc (09022015). Collection method: clinical testing. Allele origin: germline.

NM_022552.5(DNMT3A):c.2598-7C>T

Gene: DNMT3A (DNA methyltransferase 3 alpha; minus strand). Cytogenetic location: 2p23.3.
Variant type: single nucleotide variant.
Coding change: c.2598-7C>T on transcript NM_022552.5 (MANE Select); 7 bases into the intron before coding-DNA position 2598, C replaced by T.
Molecular consequence: intron variant.
Genome position (GRCh38, 1-based): chr2:25,234,427, G>A on the plus strand (C>T on the coding strand, the complement: DNMT3A is on the minus strand). VCF-style: chr2-25234427-G-A. GRCh37 (hg19) VCF-style: chr2-25457296-G-A.
Other names: c.2598-7C>T (NM_175629.2); c.2031-7C>T (NM_153759.3); c.2142-7C>T (NM_001320893.1); c.1929-7C>T (NM_001375819.1).
Identifiers: ClinVar variation 1618544 (VCV001618544.10), dbSNP rs756540099, ClinGen allele CA1555507.
Genomic context (GRCh38, chr2:25,234,427, plus strand): 5'-GCCAAGCGGCTCATGTTGGAGACGTCAGTATAGTGGACTGGGAAACCAAATACCCTGGGG[G>A]AGAAAAGGCAGAGAGGGCAGGGTGAGTGCTGGCCAGACCAGGCTGCCCGGAAGCCGTCTA-3'